The following is an entry in ClinVar:

ClinVar aggregate classification (germline): Uncertain significance. Review status: criteria provided, multiple submitters, no conflicts (2 of 4 stars). 2 submissions from 2 submitters: Uncertain significance (2). Last evaluated 2023-03-26.

Conditions:
Hereditary cancer-predisposing syndrome. Also called: Tumor predisposition; Hereditary Cancer Syndrome; Neoplastic Syndromes, Hereditary; Hereditary neoplastic syndrome. Identifiers: Orphanet 140162, MedGen C0027672, MeSH D009386, MONDO:0015356.
Cardiovascular phenotype. Identifiers: MedGen CN230736.
Neurofibromatosis, type 1 (NF1). Also called: VON RECKLINGHAUSEN DISEASE; Neurofibromatosis, type I; NEUROFIBROMATOSIS, TYPE I, SOMATIC; Peripheral type neurofibromatosis. Identifiers: Orphanet 636, MedGen C0027831, MONDO:0018975, OMIM 162200. Disease mechanism: loss of function.

Submissions (2):

Ambry Genetics
Classification: Uncertain significance for Cardiovascular phenotype; Hereditary cancer-predisposing syndrome. Last evaluated: 2023-03-26. Review status: criteria provided, single submitter. Criteria: Ambry Variant Classification Scheme 2023. Collection method: clinical testing. Allele origin: germline.
Comment: The p.T2092K variant (also known as c.6275C>A), located in coding exon 41 of the NF1 gene, results from a C to A substitution at nucleotide position 6275. The threonine at codon 2092 is replaced by lysine, an amino acid with similar properties. This amino acid position is conserved. In addition, this alteration is predicted to be deleterious by in silico analysis. Since supporting evidence is limited at this time, the clinical significance of this alteration remains unclear.

Labcorp Genetics (formerly Invitae), Labcorp
Classification: Uncertain significance for Neurofibromatosis, type 1. Last evaluated: 2020-06-08. Review status: criteria provided, single submitter. Criteria: Invitae Variant Classification Sherloc (09022015). Collection method: clinical testing. Allele origin: germline.
Comment: In summary, the available evidence is currently insufficient to determine the role of this variant in disease. Therefore, it has been classified as a Variant of Uncertain Significance. Algorithms developed to predict the effect of missense changes on protein structure and function are either unavailable or do not agree on the potential impact of this missense change (SIFT: "Deleterious"; PolyPhen-2: "Probably Damaging"; Align-GVGD: "Class C0"). This variant has not been reported in the literature in individuals with NF1-related conditions. This sequence change replaces threonine with lysine at codon 2092 of the NF1 protein (p.Thr2092Lys). The threonine residue is moderately conserved and there is a moderate physicochemical difference between threonine and lysine. This variant is not present in population databases (ExAC no frequency).

NM_001042492.3(NF1):c.6338C>A (p.Thr2113Lys)

Gene: NF1 (neurofibromin 1; plus strand). Cytogenetic location: 17q11.2.
Variant type: single nucleotide variant.
Coding change: c.6338C>A on transcript NM_001042492.3 (MANE Select); coding-DNA position 6338, C replaced by A.
Protein change: p.Thr2113Lys; replaces threonine 2113 with lysine.
Molecular consequence: missense variant.
Genome position (GRCh38, 1-based): chr17:31,336,825, C>A. VCF-style: chr17-31336825-C-A. GRCh37 (hg19) VCF-style: chr17-29663843-C-A.
Other names: c.6275C>A, p.Thr2092Lys (NM_000267.4); short protein forms T2092K, T2113K.
Identifiers: ClinVar variation 1017498 (VCV001017498.6), dbSNP rs768982249, ClinGen allele CA399012782.